The following is an entry in ClinVar:

NM_015046.7(SETX):c.1869A>C (p.Glu623Asp)

Gene: SETX (senataxin; minus strand). Cytogenetic location: 9q34.13.
Variant type: single nucleotide variant.
Coding change: c.1869A>C on transcript NM_015046.7 (MANE Select); coding-DNA position 1869, A replaced by C.
Protein change: p.Glu623Asp; replaces glutamic acid 623 with aspartic acid.
Molecular consequence: missense variant.
Genome position (GRCh38, 1-based): chr9:132,329,729, T>G on the plus strand (A>C on the coding strand, the complement: SETX is on the minus strand). VCF-style: chr9-132329729-T-G. GRCh37 (hg19) VCF-style: chr9-135205116-T-G.
Other names: c.1869A>C, p.Glu623Asp (NM_001351527.2, NM_001351528.2); short protein forms E623D.
Identifiers: ClinVar variation 155743 (VCV000155743.41), dbSNP rs139200312, ClinGen allele CA233093.
Genomic context (GRCh38, chr9:132,329,729, plus strand): 5'-TGGGCTGGAAGCTTCCAAACAATGCATATCTTTTCTAGACGTCTTCCCCATTTGTTCACT[T>G]TCTTCTTTATTATAAGATGCAGGAGAGATTTTACATGCAGAAGTCAGATCCACAAAAGTG-3'
Protein context (NP_055861.3, residues 613-633): KISPASYNKE[Glu623Asp]SEQMGKTSRK

ClinVar aggregate classification (germline): Conflicting classifications of pathogenicity. Review status: criteria provided, conflicting classifications (1 of 4 stars). 8 submissions from 8 submitters: Uncertain significance (6); Benign (1). 1 of the submissions does not count toward it. Last evaluated 2026-09-24.

Conditions:
SETX-related disorder. Also called: SETX-related condition; SETX-related disorders. Identifiers: MedGen CN239403.
Inborn genetic diseases. Identifiers: MedGen C0950123, MeSH D030342.
Spinocerebellar ataxia, autosomal recessive, with axonal neuropathy 2 (SCAN2). Also called: Ataxia-ocular apraxia-2; Ataxia with Oculomotor Apraxia Type 2; ATAXIA-OCULOMOTOR APRAXIA 2; Ataxia with Oculomotor Apraxia. Identifiers: Orphanet 64753, MedGen C1853761, MONDO:0018996, OMIM 606002.
Amyotrophic lateral sclerosis type 4 (ALS4). Also called: NEURONOPATHY, DISTAL HEREDITARY MOTOR, WITH PYRAMIDAL FEATURES; AMYOTROPHIC LATERAL SCLEROSIS 4, JUVENILE. Identifiers: Orphanet 357043, MedGen C1865409, MONDO:0011223, OMIM 602433.

Allele frequency attached by ClinVar (database versions not stated): ExAC 0.00012; gnomAD exomes 0.00012 and 0.00031; gnomAD 0.00015 and 0.00017; TOPMed 0.00018; ESP Exome Variant Server 0.00023.
gnomAD v4.1: 471 of 1,614,052 alleles (0.029%); highest among the groups gnomAD compares: Non-Finnish European, 0.038%; no homozygotes.

Submissions (8):

PreventionGenetics, part of Exact Sciences
Classification: Uncertain significance for SETX-related condition. Last evaluated: 2026-09-24. Review status: criteria provided, single submitter. Criteria: ACMG Guidelines, 2015. Collection method: clinical testing. Allele origin: germline.
Comment: The SETX c.1869A>C variant is predicted to result in the amino acid substitution p.Glu623Asp. This variant was reported in one individual with amyotrophic lateral sclerosis (ALS, Table 2, Cady et al. 2015. PubMed ID: 25382069). This variant is reported in 0.024% of alleles in individuals of European (non-Finnish) descent in gnomAD. At this time, the clinical significance of this variant is uncertain due to the absence of conclusive functional and genetic evidence.

Labcorp Genetics (formerly Invitae), Labcorp
Classification: Benign for Amyotrophic lateral sclerosis type 4; Spinocerebellar ataxia, autosomal recessive, with axonal neuropathy 2. Last evaluated: 2025-04-26. Review status: criteria provided, single submitter. Criteria: Invitae Variant Classification Sherloc (09022015). Collection method: clinical testing. Allele origin: germline.

CeGaT Center for Human Genetics Tuebingen
Classification: Uncertain significance. Last evaluated: 2024-03-01. Review status: criteria provided, single submitter. Criteria: CeGaT Center For Human Genetics Tuebingen Variant Classification Criteria Version 2. Collection method: clinical testing. Allele origin: germline. Affected: yes. Observed: 1 variant allele.

GeneDx
Classification: Uncertain significance. Last evaluated: 2021-12-07. Review status: criteria provided, single submitter. Criteria: GeneDx Variant Classification Process June 2021. Collection method: clinical testing. Allele origin: germline. Affected: yes.
Comment: In silico analysis supports that this missense variant does not alter protein structure/function; Identified in a patient with amyotrophic lateral sclerosis in published literature, although additional clinical information and familial segregation information were not included (Cady et al., 2015); This variant is associated with the following publications: (PMID: 33333218, 25382069)

Ambry Genetics
Classification: Uncertain significance for Inborn genetic diseases. Last evaluated: 2021-04-23. Review status: criteria provided, single submitter. Criteria: Ambry Variant Classification Scheme 2023. Collection method: clinical testing. Allele origin: germline.
Comment: The p.E623D variant (also known as c.1869A>C), located in coding exon 8 of the SETX gene, results from an A to C substitution at nucleotide position 1869. The glutamic acid at codon 623 is replaced by aspartic acid, an amino acid with highly similar properties. Among a cohort of 391 patients with amyotrophic lateral sclerosis (ALS), this alteration was reported in one patient with sporadic ALS but was also present in population databases (Cady J et al. Ann Neurol, 2015 Jan;77:100-13). This amino acid position is highly conserved in available vertebrate species. In addition, the in silico prediction for this alteration is inconclusive. Based on the supporting evidence, this variant is unlikely to be causative of juvenile amyotrophic lateral sclerosis 4 (ALS4); however, its contribution to the development of spinocerebellar ataxia with axonal neuropathy 2 (SCAN2) is uncertain.

Athena Diagnostics
Classification: Uncertain significance. Last evaluated: 2018-09-12. Review status: criteria provided, single submitter. Criteria: Athena Diagnostics Criteria. Collection method: clinical testing. Allele origin: germline.

Breakthrough Genomics
Classification: Uncertain significance. Review status: criteria provided, single submitter. Criteria: ACMG Guidelines, 2015. Collection method: not provided. Allele origin: germline. Inheritance: Autosomal recessive inheritance. Affected: yes.

Northcott Neuroscience Laboratory, ANZAC Research Institute
Classification: Benign. Review status: no assertion criteria provided. Collection method: not provided. Allele origin: unknown. Not counted in ClinVar's aggregate classification.
Comment: HMNP
ClinVar note: Converted during submission from non-pathogenic to Benign.

Literature cited by the submitters: PubMed 25382069 (cited by Ambry Genetics and Athena Diagnostics).